The following is an entry in ClinVar:

ClinVar aggregate classification (germline): Uncertain significance. Review status: criteria provided, multiple submitters, no conflicts (2 of 4 stars). 2 submissions from 2 submitters: Uncertain significance (2). Last evaluated 2025-08-15.

Conditions:
Tuberous sclerosis 2 (TSC2). Identifiers: Orphanet 805, MedGen C1860707, MONDO:0013199, OMIM 613254.

Submissions (2):

GeneDx
Classification: Uncertain significance. Last evaluated: 2025-08-15. Review status: criteria provided, single submitter. Criteria: GeneDx Variant Classification Process June 2021. Collection method: clinical testing. Allele origin: germline. Affected: yes.
Comment: Not observed at significant frequency in large population cohorts (gnomAD); In silico analysis supports that this missense variant has a deleterious effect on protein structure/function; Has not been previously published as pathogenic or benign to our knowledge

Labcorp Genetics (formerly Invitae), Labcorp
Classification: Uncertain significance for Tuberous sclerosis 2. Last evaluated: 2022-12-13. Review status: criteria provided, single submitter. Criteria: Invitae Variant Classification Sherloc (09022015). Collection method: clinical testing. Allele origin: germline.
Comment: In summary, the available evidence is currently insufficient to determine the role of this variant in disease. Therefore, it has been classified as a Variant of Uncertain Significance. Advanced modeling of protein sequence and biophysical properties (such as structural, functional, and spatial information, amino acid conservation, physicochemical variation, residue mobility, and thermodynamic stability) performed at Invitae indicates that this missense variant is not expected to disrupt TSC2 protein function. This variant has not been reported in the literature in individuals affected with TSC2-related conditions. This variant is not present in population databases (gnomAD no frequency). This sequence change replaces proline, which is neutral and non-polar, with alanine, which is neutral and non-polar, at codon 754 of the TSC2 protein (p.Pro754Ala).

NM_000548.5(TSC2):c.2260C>G (p.Pro754Ala)

Gene: TSC2 (TSC complex subunit 2; plus strand). Cytogenetic location: 16p13.3.
Variant type: single nucleotide variant.
Coding change: c.2260C>G on transcript NM_000548.5 (MANE Select); coding-DNA position 2260, C replaced by G.
Protein change: p.Pro754Ala; replaces proline 754 with alanine.
Molecular consequence: missense variant. On other transcripts: non-coding transcript variant (5).
Genome position (GRCh38, 1-based): chr16:2,072,888, C>G. VCF-style: chr16-2072888-C-G. GRCh37 (hg19) VCF-style: chr16-2122889-C-G.
Other names: c.2350C>G, p.Pro784Ala (NM_001406667.1, NM_001406668.1); c.2149C>G, p.Pro717Ala (NM_001406670.1, NM_001406678.1, NM_001318827.2); c.2248C>G, p.Pro750Ala (NM_001406671.1, NM_001406673.1); c.2113C>G, p.Pro705Ala (NM_001406675.1, NM_001406676.1, NM_001406679.1 and 1 more transcripts); c.2203C>G, p.Pro735Ala (NM_001406677.1); c.916C>G, p.Pro306Ala (NM_001406689.1, NM_001406690.1, NM_001406691.1 and 6 more transcripts); c.658C>G, p.Pro220Ala (NM_001406698.1); c.2260C>G, p.Pro754Ala (NM_001077183.3, NM_001114382.3, NM_001363528.2 and 6 more transcripts); and 3 more; short protein forms P220A, P717A, P754A, P306A, P554A, P750A, P765A, P600A.
Identifiers: ClinVar variation 2820529 (VCV002820529.3), dbSNP rs752603642, ClinGen allele CA394276401.
Genomic context (GRCh38, chr16:2,072,888, plus strand): 5'-ATGCCTGGATTTGGTCATCAGCTTTCAGGCCCAAAGACACTGGAGCGGCTCCGAGGCGCC[C>G]CAGAAGGCTTCTCCAGAACTGACTTGCACCTGGCCGTGGTTCCAGTGCTGACAGCATTAA-3'
Protein context (NP_000539.2, residues 744-764): PKTLERLRGA[Pro754Ala]EGFSRTDLHL